The following is an entry in ClinVar:

ClinVar aggregate classification (germline): Benign. Review status: criteria provided, multiple submitters, no conflicts (2 of 4 stars). 2 submissions from 2 submitters: Benign (2). Last evaluated 2023-10-01.

Conditions:
Retinal dystrophy. Also called: Inherited retinal dystrophy. Identifiers: Orphanet 71862, MedGen C0854723, MeSH D058499, MONDO:0019118, HP:0000556.
Occult macular dystrophy (OCMD). Also called: OMD; OCCULT MACULAR DYSTROPHY, SUSCEPTIBILITY TO. Identifiers: Orphanet 247834, MedGen C3150833, MONDO:0013316, OMIM 613587, HP:0030636.

Allele frequency attached by ClinVar (database versions not stated): ESP Exome Variant Server 0.00089; gnomAD 0.00207 and 0.00259; TOPMed 0.00269; gnomAD exomes 0.00406; ExAC 0.00430; 1000 Genomes Project 30x 0.00953; 1000 Genomes Project 0.01018.
gnomAD v4.1: 3,202 of 1,613,480 alleles (0.2%); highest among the groups gnomAD compares: East Asian, 5.8%; 88 homozygotes.

Submissions (2):

Dept Of Ophthalmology, Nagoya University
Classification: Benign for Retinal dystrophy. Last evaluated: 2023-10-01. Review status: criteria provided, single submitter. Criteria: Submitter's publication. Collection method: research. Allele origin: germline. Affected: yes.

Illumina Laboratory Services, Illumina
Classification: Benign for Occult macular dystrophy. Last evaluated: 2018-01-13. Review status: criteria provided, single submitter. Criteria: ICSL Variant Classification Criteria 13 December 2019. Collection method: clinical testing. Allele origin: germline.
Comment: This variant was observed in the ICSL laboratory as part of a predisposition screen in an ostensibly healthy population. It had not been previously curated by ICSL or reported in the Human Gene Mutation Database (HGMD: prior to June 1st, 2018), and was therefore a candidate for classification through an automated scoring system. Utilizing variant allele frequency, disease prevalence and penetrance estimates, and inheritance mode, an automated score was calculated to assess if this variant is too frequent to cause the disease. Based on the score and internal cut-off values, a variant classified as benign is not then subjected to further curation. The score for this variant resulted in a classification of benign for this disease.

NM_178857.6(RP1L1):c.4953G>A (p.Ala1651=)

Gene: RP1L1 (RP1 like 1). Cytogenetic location: 8p23.1.
Variant type: single nucleotide variant.
Coding change: c.4953G>A on transcript NM_178857.6 (MANE Select); coding-DNA position 4953, G replaced by A.
Protein change: p.Ala1651=; no amino-acid change (alanine 1651 retained).
Molecular consequence: synonymous variant.
Genome position (GRCh38, 1-based): chr8:10,609,145, C>T on the plus strand (G>A on the coding strand, the complement: RP1L1 is on the minus strand). VCF-style: chr8-10609145-C-T. GRCh37 (hg19) VCF-style: chr8-10466655-C-T.
Identifiers: ClinVar variation 361260 (VCV000361260.6), dbSNP rs79563676, ClinGen allele CA4623819.